The following is an entry in ClinVar:

NM_001273.5(CHD4):c.4515+6C>T

Genes: CHD4 (chromodomain helicase DNA binding protein 4; minus strand), CHD4-AS1 (CHD4 antisense RNA 1; plus strand). Cytogenetic location: 12p13.31.
Variant type: single nucleotide variant.
Coding change: c.4515+6C>T on transcript NM_001273.5 (MANE Select); 6 bases into the intron after coding-DNA position 4515, C replaced by T.
Molecular consequence: intron variant.
Genome position (GRCh38, 1-based): chr12:6,582,131, G>A on the plus strand (C>T on the coding strand, the complement: CHD4 is on the minus strand). VCF-style: chr12-6582131-G-A. GRCh37 (hg19) VCF-style: chr12-6691297-G-A.
Other names: c.4476+6C>T (NM_001363606.2); c.4494+6C>T (NM_001297553.2).
Identifiers: ClinVar variation 742040 (VCV000742040.8), dbSNP rs372493471, ClinGen allele CA6411566.

ClinVar aggregate classification (germline): Likely benign. Review status: criteria provided, single submitter (1 of 4 stars). 2 submissions from 2 submitters: Likely benign (1). 1 of the submissions does not count toward it. Last evaluated 2024-06-21.

Conditions:
CHD4-related disorder. Also called: CHD4-related condition.

Allele frequency attached by ClinVar (database versions not stated): ESP Exome Variant Server 0.00062; gnomAD 0.00066 and 0.00071; ExAC 0.00022; 1000 Genomes Project 30x 0.00078; TOPMed 0.00070; 1000 Genomes Project 0.00080.
gnomAD v4.1: 195 of 1,562,142 alleles (0.012%); highest among the groups gnomAD compares: African/African-American, 0.25%; no homozygotes.

Submissions (2):

Labcorp Genetics (formerly Invitae), Labcorp
Classification: Likely benign. Last evaluated: 2024-06-21. Review status: criteria provided, single submitter. Criteria: Invitae Variant Classification Sherloc (09022015). Collection method: clinical testing. Allele origin: germline.

PreventionGenetics, part of Exact Sciences
Classification: Likely benign for CHD4-related condition. Last evaluated: 2019-12-16. Review status: no assertion criteria provided. Collection method: clinical testing. Allele origin: germline. Not counted in ClinVar's aggregate classification.
Comment: This variant is classified as likely benign based on ACMG/AMP sequence variant interpretation guidelines (Richards et al. 2015 PMID: 25741868, with internal and published modifications).